The following is an entry in ClinVar:

NM_020461.4(TUBGCP6):c.2161C>T (p.Gln721Ter)

Gene: TUBGCP6 (tubulin gamma complex component 6; minus strand). Cytogenetic location: 22q13.33.
Variant type: single nucleotide variant.
Coding change: c.2161C>T on transcript NM_020461.4 (MANE Select); coding-DNA position 2161, C replaced by T.
Protein change: p.Gln721Ter; replaces glutamine 721 with a stop codon.
Molecular consequence: nonsense.
Genome position (GRCh38, 1-based): chr22:50,224,250, G>A on the plus strand (C>T on the coding strand, the complement: TUBGCP6 is on the minus strand). VCF-style: chr22-50224250-G-A. GRCh37 (hg19) VCF-style: chr22-50662679-G-A.
Other names: c.2161C>T (NM_020461.3); short protein forms Q721*.
Identifiers: ClinVar variation 2818558 (VCV002818558.4), dbSNP rs2519147043, ClinGen allele CA412102706.

ClinVar aggregate classification (germline): Pathogenic. Review status: criteria provided, multiple submitters, no conflicts (2 of 4 stars). 2 submissions from 2 submitters: Pathogenic (2). Last evaluated 2025-07-02.

Allele frequency attached by ClinVar (database versions not stated): gnomAD exomes below 0.00001.

Submissions (2):

GeneDx
Classification: Pathogenic. Last evaluated: 2025-07-02. Review status: criteria provided, single submitter. Criteria: GeneDx Variant Classification Process June 2021. Collection method: clinical testing. Allele origin: germline. Affected: yes.
Comment: Nonsense variant predicted to result in protein truncation or nonsense mediated decay in a gene for which loss of function is a known mechanism of disease; Not observed at significant frequency in large population cohorts (gnomAD); Has not been previously published as pathogenic or benign to our knowledge

Labcorp Genetics (formerly Invitae), Labcorp
Classification: Pathogenic. Last evaluated: 2023-11-15. Review status: criteria provided, single submitter. Criteria: Invitae Variant Classification Sherloc (09022015). Collection method: clinical testing. Allele origin: germline.
Comment: This sequence change creates a premature translational stop signal (p.Gln721*) in the TUBGCP6 gene. It is expected to result in an absent or disrupted protein product. Loss-of-function variants in TUBGCP6 are known to be pathogenic (PMID: 25344692). This variant is not present in population databases (gnomAD no frequency). This variant has not been reported in the literature in individuals affected with TUBGCP6-related conditions. For these reasons, this variant has been classified as Pathogenic.

Literature cited by the submitters: PubMed 25344692 (cited by Labcorp Genetics (formerly Invitae), Labcorp).